The following is an entry in ClinVar:

NM_000038.6(APC):c.1725_1726del (p.Ala576fs)

Gene: APC (APC regulator of Wnt signaling pathway; plus strand). Cytogenetic location: 5q22.2.
Variant type: Microsatellite.
Coding change: c.1725_1726del on transcript NM_000038.6 (MANE Select); coding-DNA positions 1725 to 1726, 2 bases deleted (TG; older notation c.1725_1726delTG).
Protein change: p.Ala576fs; shifts the reading frame from alanine 576.
Molecular consequence: frameshift variant.
Genome position (GRCh38, 1-based): chr5:112,828,954-112,828,955, TG deleted; deleting any 2 consecutive bases within chr5:112,828,952-112,828,955 gives the same sequence; the c. name uses the placement nearest the transcript's 3' end. VCF-style (leftmost placement, unchanged base first): chr5-112828951-ATG-A. GRCh37 (hg19) VCF-style: chr5-112164648-ATG-A.
Other names: c.1725_1726del, p.Ala576fs (NM_001127510.3, NM_001354895.2); c.1671_1672del, p.Ala558fs (NM_001127511.3); c.1779_1780del, p.Ala594fs (NM_001354896.2); c.1755_1756del, p.Ala586fs (NM_001354897.2); c.1650_1651del, p.Ala551fs (NM_001354898.2); c.1641_1642del, p.Ala548fs (NM_001354899.2); c.1602_1603del, p.Ala535fs (NM_001354900.2); c.1548_1549del, p.Ala517fs (NM_001354901.2); and 5 more; short protein forms A517fs, A594fs, A475fs, A551fs, A416fs, A450fs, A558fs, A576fs.
Identifiers: ClinVar variation 1453109 (VCV001453109.6), dbSNP rs2149818305, ClinGen allele CA2580613627.

ClinVar aggregate classification (germline): Pathogenic (1 of 4 stars; one submission).

Conditions:
Familial adenomatous polyposis 1 (FAP1). Also called: POLYPOSIS, ADENOMATOUS INTESTINAL; FAMILIAL ADENOMATOUS POLYPOSIS 1, ATTENUATED. Identifiers: MedGen C2713442, MONDO:0021056, OMIM 175100. Disease mechanism: loss of function.

Submission:

Labcorp Genetics (formerly Invitae), Labcorp
Classification: Pathogenic for Familial adenomatous polyposis 1. Last evaluated: 2021-06-09. Review status: criteria provided, single submitter. Criteria: Invitae Variant Classification Sherloc (09022015). Collection method: clinical testing. Allele origin: germline.
Comment: This sequence change creates a premature translational stop signal (p.Ala576Phefs*4) in the APC gene. It is expected to result in an absent or disrupted protein product. Loss-of-function variants in APC are known to be pathogenic (PMID: 17963004, 20685668). This variant is not present in population databases (ExAC no frequency). This variant has not been reported in the literature in individuals with APC-related conditions. For these reasons, this variant has been classified as Pathogenic.

Literature cited by the submitters: PubMed 17963004; PubMed 20685668.